The following is an entry in ClinVar:

ClinVar aggregate classification (germline): Likely benign. Review status: criteria provided, multiple submitters, no conflicts (2 of 4 stars). 4 submissions from 4 submitters: Likely benign (3). 1 of the submissions does not count toward it. Last evaluated 2025-09-10.

Conditions:
Dilated cardiomyopathy 1KK (CMD1KK). Identifiers: Orphanet 154, Orphanet 75249, MedGen C3714995, MONDO:0014100, OMIM 615248.
MYPN-related disorder. Also called: MYPN-related condition.
Cardiovascular phenotype. Identifiers: MedGen CN230736.

Allele frequency attached by ClinVar (database versions not stated): gnomAD below 0.00001 and 0.00001; TOPMed 0.00001; gnomAD exomes 0.00003 and 0.00006; ExAC 0.00006.

Submissions (4):

Labcorp Genetics (formerly Invitae), Labcorp
Classification: Likely benign for Dilated cardiomyopathy 1KK. Last evaluated: 2025-09-10. Review status: criteria provided, single submitter. Criteria: Invitae Variant Classification Sherloc (09022015). Collection method: clinical testing. Allele origin: germline.

Blueprint Genetics
Classification: Likely benign. Last evaluated: 2024-11-15. Review status: criteria provided, single submitter. Criteria: ACMG Guidelines, 2015. Collection method: clinical testing. Allele origin: germline.

Ambry Genetics
Classification: Likely benign for Cardiovascular phenotype. Last evaluated: 2020-04-07. Review status: criteria provided, single submitter. Criteria: Ambry Variant Classification Scheme 2023. Collection method: clinical testing. Allele origin: germline.

PreventionGenetics, part of Exact Sciences
Classification: Likely benign for MYPN-related condition. Last evaluated: 2020-09-22. Review status: no assertion criteria provided. Collection method: clinical testing. Allele origin: germline. Not counted in ClinVar's aggregate classification.
Comment: This variant is classified as likely benign based on ACMG/AMP sequence variant interpretation guidelines (Richards et al. 2015 PMID: 25741868, with internal and published modifications).

NM_032578.4(MYPN):c.744A>G (p.Gly248=)

Gene: MYPN (myopalladin; plus strand). Cytogenetic location: 10q21.3.
Variant type: single nucleotide variant.
Coding change: c.744A>G on transcript NM_032578.4 (MANE Select); coding-DNA position 744, A replaced by G.
Protein change: p.Gly248=; no amino-acid change (glycine 248 retained).
Molecular consequence: synonymous variant. On other transcripts: 5 prime UTR variant (1), non-coding transcript variant (1).
Genome position (GRCh38, 1-based): chr10:68,122,182, A>G. VCF-style: chr10-68122182-A-G. GRCh37 (hg19) VCF-style: chr10-69881939-A-G.
Other names: c.744A>G, p.Gly248= (NM_001256267.2); c.-379A>G (NM_001256268.2).
Identifiers: ClinVar variation 544047 (VCV000544047.13), dbSNP rs749058723, ClinGen allele CA5522323.